The following is an entry in ClinVar:

ClinVar aggregate classification (germline): Uncertain significance. Review status: criteria provided, multiple submitters, no conflicts (2 of 4 stars). 3 submissions from 3 submitters: Uncertain significance (3). Last evaluated 2023-09-07.

Conditions:
Episodic ataxia type 2 (EA2). Also called: ATAXIA, EPISODIC, WITH NYSTAGMUS; ATAXIA, FAMILIAL PAROXYSMAL; CEREBELLAR ATAXIA, PAROXYSMAL, ACETAZOLAMIDE-RESPONSIVE; CEREBELLOPATHY, HEREDITARY PAROXYSMAL; ACETAZOLAMIDE-RESPONSIVE HEREDITARY PAROXYSMAL CEREBELLAR ATAXIA; EPISODIC ATAXIA, NYSTAGMUS-ASSOCIATED. Identifiers: Orphanet 97, MedGen C1720416, MONDO:0007163, OMIM 108500.
Developmental and epileptic encephalopathy, 42 (DEE42A). Also called: Epileptic encephalopathy, early infantile, 42; DEVELOPMENTAL AND EPILEPTIC ENCEPHALOPATHY 42A; EPILEPTIC ENCEPHALOPATHY, EARLY INFANTILE, 42A. Identifiers: MedGen C4310716, MONDO:0014917, OMIM 617106.
Spinocerebellar ataxia type 6 (SCA6). Identifiers: Orphanet 98758, MedGen C0752124, MONDO:0008457, OMIM 183086.
Migraine, familial hemiplegic, 1. Also called: MIGRAINE, FAMILIAL HEMIPLEGIC 1, WITH PROGRESSIVE CEREBELLAR ATAXIA. Identifiers: Orphanet 569, MedGen C1832884, MONDO:0020756, OMIM 141500, MONDO:0007714.

Allele frequency attached by ClinVar (database versions not stated): gnomAD exomes below 0.00001; TOPMed 0.00001.
gnomAD v4.1: 4 of 1,611,648 alleles (0.00025%); highest among the groups gnomAD compares: Non-Finnish European, 0.00034%; no homozygotes.

Submissions (3):

Labcorp Genetics (formerly Invitae), Labcorp
Classification: Uncertain significance for Developmental and epileptic encephalopathy, 42; Episodic ataxia type 2. Last evaluated: 2023-09-07. Review status: criteria provided, single submitter. Criteria: Invitae Variant Classification Sherloc (09022015). Collection method: clinical testing. Allele origin: germline.
Comment: In summary, the available evidence is currently insufficient to determine the role of this variant in disease. Therefore, it has been classified as a Variant of Uncertain Significance. Algorithms developed to predict the effect of sequence changes on RNA splicing suggest that this variant may disrupt the consensus splice site. ClinVar contains an entry for this variant (Variation ID: 446906). This variant has not been reported in the literature in individuals affected with CACNA1A-related conditions. This variant is not present in population databases (gnomAD no frequency). This sequence change affects codon 697 of the CACNA1A mRNA. It is a 'silent' change, meaning that it does not change the encoded amino acid sequence of the CACNA1A protein.

Athena Diagnostics
Classification: Uncertain significance. Last evaluated: 2016-08-17. Review status: criteria provided, single submitter. Criteria: Athena Diagnostics Criteria. Collection method: clinical testing. Allele origin: germline.

Center for Genomics, Ann and Robert H. Lurie Children's Hospital of Chicago
Classification: Uncertain significance for Spinocerebellar ataxia type 6; Episodic ataxia type 2; Developmental and epileptic encephalopathy, 42; Migraine, familial hemiplegic, 1. Review status: criteria provided, single submitter. Criteria: ACMG Guidelines, 2015. Collection method: clinical testing. Allele origin: germline.
Comment: CACNA1A NM_001127222.1 exon 16 p.Leu696= (c.2088G>A): This variant has not been reported in the literature and is not present in large control databases. This variant is present in ClinVar (Variation ID:446906). Evolutionary conservation and computational predictive tools for this variant are limited or unavailable. Of note, this variant is a silent variant and does not change the amino acid, reducing the probability that this variant is disease causing. In summary, data on this variant is insufficient for disease classification. Therefore, the clinical significance of this variant is uncertain.

NM_001127222.2(CACNA1A):c.2088G>A (p.Leu696=)

Gene: CACNA1A (calcium voltage-gated channel subunit alpha1 A; minus strand). Cytogenetic location: 19p13.13.
Variant type: single nucleotide variant.
Coding change: c.2088G>A on transcript NM_001127222.2 (MANE Select); coding-DNA position 2088, G replaced by A.
Protein change: p.Leu696=; no amino-acid change (leucine 696 retained).
Molecular consequence: synonymous variant.
Genome position (GRCh38, 1-based): chr19:13,303,783, C>T on the plus strand (G>A on the coding strand, the complement: CACNA1A is on the minus strand). VCF-style: chr19-13303783-C-T. GRCh37 (hg19) VCF-style: chr19-13414597-C-T.
Other names: c.2091G>A, p.Leu697= (NM_000068.4, NM_001127221.2, NM_001174080.2 and 1 more transcripts).
Identifiers: ClinVar variation 446906 (VCV000446906.6), dbSNP rs908321451, ClinGen allele CA305508542.